The following is an entry in ClinVar:

ClinVar aggregate classification (germline): Uncertain significance (1 of 4 stars; one submission).

gnomAD v4.1: 8 of 1,613,412 alleles (0.0005%); highest among the groups gnomAD compares: Non-Finnish European, 0.00068%; no homozygotes.

Submission:

Women's Health and Genetics/Laboratory Corporation of America, LabCorp
Classification: Uncertain significance. Last evaluated: 2026-04-21. Review status: criteria provided, single submitter. Criteria: LabCorp Variant Classification Summary - May 2015. Collection method: clinical testing. Allele origin: germline.
Comment: Variant summary: ATAD3A c.1266C>G (p.Thr422Thr) alters a conserved nucleotide located close to a canonical splice site and therefore could affect mRNA splicing, leading to a significantly altered protein sequence. Consensus agreement among computation tools predict no significant impact on normal splicing. However, these predictions have yet to be confirmed by functional studies. The variant allele was found at a frequency of 4e-06 in 251202 control chromosomes. The available data on variant occurrences in the general population are insufficient to allow any conclusion about variant significance. To our knowledge, no occurrence of c.1266C>G in individuals affected with ATAD3A-related conditions and no experimental evidence demonstrating its impact on protein function have been reported. No submitters have cited clinical-significance assessments for this variant to ClinVar. Based on the evidence outlined above, the variant was classified as uncertain significance.

NM_001170535.3(ATAD3A):c.1266C>G (p.Thr422=)

Gene: ATAD3A (ATPase family AAA domain containing 3A; plus strand). Cytogenetic location: 1p36.33.
Variant type: single nucleotide variant.
Coding change: c.1266C>G on transcript NM_001170535.3 (MANE Select); coding-DNA position 1266, C replaced by G.
Protein change: p.Thr422=; no amino-acid change (threonine 422 retained).
Molecular consequence: synonymous variant.
Genome position (GRCh38, 1-based): chr1:1,525,291, C>G. VCF-style: chr1-1525291-C-G. GRCh37 (hg19) VCF-style: chr1-1460671-C-G.
Other names: c.1029C>G, p.Thr343= (NM_001170536.3); c.1410C>G, p.Thr470= (NM_018188.5).
Identifiers: ClinVar variation 4848351 (VCV004848351.1).